The following is an entry in ClinVar:

ClinVar aggregate classification (germline): Uncertain significance (1 of 4 stars; one submission).

Conditions:
Emery-Dreifuss muscular dystrophy 5, autosomal dominant (EDMD5). Also called: EMERY-DREIFUSS MUSCULAR DYSTROPHY 5. Identifiers: Orphanet 261, MedGen C2751805, MONDO:0013072, OMIM 612999.

gnomAD v4.1: 2 of 1,614,188 alleles (0.00012%); highest among the groups gnomAD compares: Admixed American, 0.0017%; no homozygotes.

Submission:

Labcorp Genetics (formerly Invitae), Labcorp
Classification: Uncertain significance for Emery-Dreifuss muscular dystrophy 5, autosomal dominant. Last evaluated: 2025-08-12. Review status: criteria provided, single submitter. Criteria: Invitae Variant Classification Sherloc (09022015). Collection method: clinical testing. Allele origin: germline.
Comment: This sequence change replaces aspartic acid, which is acidic and polar, with asparagine, which is neutral and polar, at codon 6718 of the SYNE2 protein (p.Asp6718Asn). This variant is present in population databases (no rsID available, gnomAD 0.003%). This variant has not been reported in the literature in individuals affected with SYNE2-related conditions. An algorithm developed to predict the effect of missense changes on protein structure and function outputs the following: PolyPhen-2: "Benign". The asparagine amino acid residue is found in multiple mammalian species, which suggests that this missense change does not adversely affect protein function. In summary, the available evidence is currently insufficient to determine the role of this variant in disease. Therefore, it has been classified as a Variant of Uncertain Significance.

NM_182914.3(SYNE2):c.20152G>A (p.Asp6718Asn)

Gene: SYNE2 (spectrin repeat containing nuclear envelope protein 2; plus strand). Cytogenetic location: 14q23.2.
Variant type: single nucleotide variant.
Coding change: c.20152G>A on transcript NM_182914.3 (MANE Select); coding-DNA position 20152, G replaced by A.
Protein change: p.Asp6718Asn; replaces aspartic acid 6718 with asparagine.
Molecular consequence: missense variant.
Genome position (GRCh38, 1-based): chr14:64,221,666, G>A. VCF-style: chr14-64221666-G-A. GRCh37 (hg19) VCF-style: chr14-64688384-G-A.
Other names: c.20083G>A, p.Asp6695Asn (NM_015180.6); c.718G>A, p.Asp240Asn (NM_182910.2); c.1096G>A, p.Asp366Asn (NM_182913.4); short protein forms D240N, D366N, D6695N, D6718N.
Identifiers: ClinVar variation 4797384 (VCV004797384.1).